The following is an entry in ClinVar:

ClinVar aggregate classification (germline): Uncertain significance. Review status: criteria provided, multiple submitters, no conflicts (2 of 4 stars). 2 submissions from 2 submitters: Uncertain significance (2). Last evaluated 2026-05-03.

Conditions:
Cardiovascular phenotype. Identifiers: MedGen CN230736.

Submissions (2):

Ambry Genetics
Classification: Uncertain significance for Cardiovascular phenotype. Last evaluated: 2026-05-03. Review status: criteria provided, single submitter. Criteria: Ambry Variant Classification Scheme 2023. Collection method: clinical testing. Allele origin: germline.
Comment: The p.L3486P variant (also known as c.10457T>C), located in coding exon 26 of the APOB gene, results from a T to C substitution at nucleotide position 10457. The leucine at codon 3486 is replaced by proline, an amino acid with similar properties. This amino acid position is conserved. In addition, this alteration is predicted to be tolerated by in silico analysis. Based on the available evidence, the clinical significance of this variant remains unclear.

GeneDx
Classification: Uncertain significance. Last evaluated: 2024-11-22. Review status: criteria provided, single submitter. Criteria: GeneDx Variant Classification Process June 2021. Collection method: clinical testing. Allele origin: germline. Affected: yes.
Comment: Not observed at significant frequency in large population cohorts (gnomAD); In silico analysis supports that this missense variant has a deleterious effect on protein structure/function; Has not been previously published as pathogenic or benign to our knowledge

NM_000384.3(APOB):c.10457T>C (p.Leu3486Pro)

Gene: APOB (apolipoprotein B; minus strand). Cytogenetic location: 2p24.1.
Variant type: single nucleotide variant.
Coding change: c.10457T>C on transcript NM_000384.3 (MANE Select); coding-DNA position 10457, T replaced by C.
Protein change: p.Leu3486Pro; replaces leucine 3486 with proline.
Molecular consequence: missense variant.
Genome position (GRCh38, 1-based): chr2:21,006,411, A>G on the plus strand (T>C on the coding strand, the complement: APOB is on the minus strand). VCF-style: chr2-21006411-A-G. GRCh37 (hg19) VCF-style: chr2-21229283-A-G.
Other names: short protein forms L3486P.
Identifiers: ClinVar variation 3900142 (VCV003900142.2).